The following is an entry in ClinVar:

ClinVar aggregate classification (germline): Uncertain significance (1 of 4 stars; one submission).

Conditions:
Myoclonic dystonia 11 (DYT11). Also called: Myoclonic dystonia; Dystonia 11; Dystonia, alcohol responsive; Hereditary essential myoclonus; SGCE Myoclonus-Dystonia; Myoclonus-Dystonia. Identifiers: Orphanet 36899, MedGen C1834570, MONDO:0008044, OMIM 159900.

Submission:

Labcorp Genetics (formerly Invitae), Labcorp
Classification: Uncertain significance for Myoclonic dystonia 11. Last evaluated: 2025-03-16. Review status: criteria provided, single submitter. Criteria: Invitae Variant Classification Sherloc (09022015). Collection method: clinical testing. Allele origin: germline.
Comment: This sequence change replaces methionine, which is neutral and non-polar, with threonine, which is neutral and polar, at codon 252 of the SGCE protein (p.Met252Thr). This variant is not present in population databases (gnomAD no frequency). This variant has not been reported in the literature in individuals affected with SGCE-related conditions. Invitae Evidence Modeling of protein sequence and biophysical properties (such as structural, functional, and spatial information, amino acid conservation, physicochemical variation, residue mobility, and thermodynamic stability) indicates that this missense variant is not expected to disrupt SGCE protein function with a negative predictive value of 80%. In summary, the available evidence is currently insufficient to determine the role of this variant in disease. Therefore, it has been classified as a Variant of Uncertain Significance.

NM_003919.3(SGCE):c.755T>C (p.Met252Thr)

Genes: CASD1 (CAS1 domain sialic acid O acetyltransferase 1; plus strand), SGCE (sarcoglycan epsilon; minus strand). Cytogenetic location: 7q21.3.
Variant type: single nucleotide variant.
Coding change: c.755T>C on transcript NM_003919.3 (MANE Select); coding-DNA position 755, T replaced by C.
Protein change: p.Met252Thr; replaces methionine 252 with threonine.
Molecular consequence: missense variant.
Genome position (GRCh38, 1-based): chr7:94,603,360, A>G on the plus strand (T>C on the coding strand, the complement: SGCE is on the minus strand). VCF-style: chr7-94603360-A-G. GRCh37 (hg19) VCF-style: chr7-94232672-A-G.
Other names: c.755T>C, p.Met252Thr (NM_001099400.2, NM_001099401.2, NM_001346717.2); c.632T>C, p.Met211Thr (NM_001301139.2, NM_001362809.2); c.863T>C, p.Met288Thr (NM_001346713.2, NM_001346715.2); c.668T>C, p.Met223Thr (NM_001346719.2, NM_001362807.2); c.482T>C, p.Met161Thr (NM_001346720.2, NM_001362808.2); short protein forms M161T, M288T, M223T, M252T, M211T.
Identifiers: ClinVar variation 3703773 (VCV003703773.2).